The following is an entry in ClinVar:

ClinVar aggregate classification (germline): Likely benign (1 of 4 stars; one submission).

Submission:

Mayo Clinic Laboratories, Mayo Clinic
Classification: Likely benign. Last evaluated: 2025-11-20. Review status: criteria provided, single submitter. Criteria: ACMG Guidelines, 2015. Collection method: clinical testing. Allele origin: germline. Observed: 2 variant alleles.
Comment: BP2, BP4, BP7, PM2_supporting

NM_001009944.3(PKD1):c.10050+4G>A

Gene: PKD1 (polycystin 1, transient receptor potential channel interacting; minus strand). Cytogenetic location: 16p13.3.
Variant type: single nucleotide variant.
Coding change: c.10050+4G>A on transcript NM_001009944.3 (MANE Select); 4 bases into the intron after coding-DNA position 10050, G replaced by A.
Molecular consequence: intron variant.
Genome position (GRCh38, 1-based): chr16:2,099,640, C>T on the plus strand (G>A on the coding strand, the complement: PKD1 is on the minus strand). VCF-style: chr16-2099640-C-T. GRCh37 (hg19) VCF-style: chr16-2149641-C-T.
Other names: p.?; c.10050+4G>A (NM_000296.4).
Identifiers: ClinVar variation 4684045 (VCV004684045.1).